The following is an entry in ClinVar:

ClinVar aggregate classification (germline): Likely pathogenic (1 of 4 stars; one submission).

Conditions:
Rhizomelic chondrodysplasia punctata type 1 (RCDP1). Also called: PEROXISOME BIOGENESIS DISORDER 9; CHONDRODYSTROPHIA CALCIFICANS PUNCTATA; PEX7-Related Rhizomelic Chondrodysplasia Punctata. Identifiers: Orphanet 177, Orphanet 309789, MedGen C1859133, MONDO:0008972, OMIM 215100. Disease mechanism: loss of function.

Submission:

Myriad Genetics, Inc.
Classification: Likely pathogenic for Rhizomelic chondrodysplasia punctata type 1. Last evaluated: 2022-04-04. Review status: criteria provided, single submitter. Criteria: Myriad Women's Health Autosomal Recessive and X-Linked Classification Criteria (2021). Collection method: clinical testing. Allele origin: unknown.
Comment: NM_000288.3(PEX7):c.668T>A(L223*) is expected to be pathogenic in the context of rhizomelic chondrodysplasia punctata type 1. This variant is predicted to lead to an abnormal or absent protein product due to the creation of a premature termination codon in PEX7, a gene where loss-of-function variants are known to be pathogenic. Please note: this variant was assessed in the context of healthy population screening.

NM_000288.4(PEX7):c.668T>A (p.Leu223Ter)

Gene: PEX7 (peroxisomal biogenesis factor 7; plus strand). Cytogenetic location: 6q23.3.
Variant type: single nucleotide variant.
Coding change: c.668T>A on transcript NM_000288.4 (MANE Select); coding-DNA position 668, T replaced by A.
Protein change: p.Leu223Ter; replaces leucine 223 with a stop codon.
Molecular consequence: nonsense.
Genome position (GRCh38, 1-based): chr6:136,869,924, T>A. VCF-style: chr6-136869924-T-A. GRCh37 (hg19) VCF-style: chr6-137191062-T-A.
Other names: c.554T>A, p.Leu185Ter (NM_001410945.1); short protein forms L185*, L223*.
Identifiers: ClinVar variation 1725870 (VCV001725870.2), dbSNP rs2548095371, ClinGen allele CA365763996.